The following is an entry in ClinVar:

ClinVar aggregate classification (germline): Uncertain significance (1 of 4 stars; one submission).

gnomAD v4.1: 3 of 1,612,128 alleles (0.00019%); highest among the groups gnomAD compares: South Asian, 0.0033%; no homozygotes.

Submission:

Women's Health and Genetics/Laboratory Corporation of America, LabCorp
Classification: Uncertain significance. Last evaluated: 2024-03-25. Review status: criteria provided, single submitter. Criteria: LabCorp Variant Classification Summary - May 2015. Collection method: clinical testing. Allele origin: germline.
Comment: Variant summary: CFTR c.1624G>A (p.Gly542Arg) results in a non-conservative amino acid change located in the ABC transporter-like, ATP-binding domain (IPR003439) of the encoded protein sequence. Five of five in-silico tools predict a damaging effect of the variant on protein function. The variant allele was found at a frequency of 8e-06 in 250908 control chromosomes (gnomAD). The available data on variant occurrences in the general population are insufficient to allow any conclusion about variant significance. c.1624G>A has been reported in the literature in two cases of Cystic fibrosis (CF) screenpositive infants with an inconclusive abstract diagnosis (CFSPID) in homozygous state (example: Gonska_2021).This report does not provide unequivocal conclusions about association of the variant with Cystic Fibrosis. To our knowledge, no experimental evidence demonstrating an impact on protein function has been reported. The following publication has been ascertained in the context of this evaluation (PMID: 34814176). No submitters have cited clinical-significance assessments for this variant to ClinVar. Based on the evidence outlined above, the variant was classified as uncertain significance.

Literature cited by the submitters: PubMed 34814176.

NM_000492.4(CFTR):c.1624G>A (p.Gly542Arg)

Genes: CFTR (CF transmembrane conductance regulator; plus strand), LOC111674475 (CFTR intron 11 enhancer; plus strand). Cytogenetic location: 7q31.2.
Variant type: single nucleotide variant.
Coding change: c.1624G>A on transcript NM_000492.4 (MANE Select); coding-DNA position 1624, G replaced by A.
Protein change: p.Gly542Arg; replaces glycine 542 with arginine.
Molecular consequence: missense variant.
Genome position (GRCh38, 1-based): chr7:117,587,778, G>A. VCF-style: chr7-117587778-G-A. GRCh37 (hg19) VCF-style: chr7-117227832-G-A.
Other names: short protein forms G542R.
Identifiers: ClinVar variation 3233783 (VCV003233783.2), dbSNP rs113993959, ClinGen allele CA368975971.